The following is an entry in ClinVar:

ClinVar aggregate classification (germline): Pathogenic/Likely pathogenic. Review status: criteria provided, multiple submitters, no conflicts (2 of 4 stars). 2 submissions from 2 submitters: Pathogenic (1); Likely pathogenic (1). Last evaluated 2024-04-26.

Conditions:
Intellectual developmental disorder with autism and macrocephaly. Also called: Autism, susceptibility to, 18; CHD8-Related Neurodevelopmental Disorder with Overgrowth. Identifiers: Orphanet 642675, MedGen C3554373, MONDO:0014017, OMIM 615032.

Submissions (2):

GeneDx
Classification: Pathogenic. Last evaluated: 2024-04-26. Review status: criteria provided, single submitter. Criteria: GeneDx Variant Classification Process June 2021. Collection method: clinical testing. Allele origin: germline. Affected: yes.
Comment: Reported in a few individuals from cohorts with variable neurodevelopmental disorders; however, limited details were provided regarding either specific testing methods or patient phenotype (PMID: 36475376, 36182950, 35982160); Nonsense variant predicted to result in protein truncation or nonsense mediated decay in a gene for which loss of function is a known mechanism of disease; Not observed at significant frequency in large population cohorts (gnomAD); This variant is associated with the following publications: (PMID: 36182950, 35982160, 36475376)

Revvity Omics, Revvity
Classification: Likely pathogenic for Intellectual developmental disorder with autism and macrocephaly. Last evaluated: 2021-05-25. Review status: criteria provided, single submitter. Criteria: ACMG Guidelines, 2015. Collection method: clinical testing. Allele origin: germline.

NM_001170629.2(CHD8):c.5017C>T (p.Arg1673Ter)

Gene: CHD8 (chromodomain helicase DNA binding protein 8; minus strand). Cytogenetic location: 14q11.2.
Variant type: single nucleotide variant.
Coding change: c.5017C>T on transcript NM_001170629.2 (MANE Select); coding-DNA position 5017, C replaced by T.
Protein change: p.Arg1673Ter; replaces arginine 1673 with a stop codon.
Molecular consequence: nonsense.
Genome position (GRCh38, 1-based): chr14:21,397,857, G>A on the plus strand (C>T on the coding strand, the complement: CHD8 is on the minus strand). VCF-style: chr14-21397857-G-A. GRCh37 (hg19) VCF-style: chr14-21866016-G-A.
Other names: c.4180C>T, p.Arg1394Ter (NM_020920.4); c.5017C>T (NM_001170629.1); short protein forms R1394*, R1673*.
Identifiers: ClinVar variation 2439084 (VCV002439084.4), dbSNP rs1555313924, ClinGen allele CA388886735.